The following is an entry in ClinVar:

ClinVar aggregate classification (germline): Uncertain significance (1 of 4 stars; one submission).

Allele frequency attached by ClinVar (database versions not stated): TOPMed below 0.00001; gnomAD 0.00001; gnomAD exomes 0.00001.
gnomAD v4.1: 12 of 1,182,489 alleles (0.001%); highest among the groups gnomAD compares: Non-Finnish European, 0.0013%; no homozygotes.

Submission:

GeneDx
Classification: Uncertain significance. Last evaluated: 2022-05-31. Review status: criteria provided, single submitter. Criteria: GeneDx Variant Classification Process June 2021. Collection method: clinical testing. Allele origin: germline. Affected: yes.
Comment: Not observed at significant frequency in large population cohorts (gnomAD); In silico analysis supports that this missense variant has a deleterious effect on protein structure/function; Has not been previously published as pathogenic or benign to our knowledge

NM_000284.4(PDHA1):c.517C>G (p.Leu173Val)

Gene: PDHA1 (pyruvate dehydrogenase E1 subunit alpha 1; plus strand). Cytogenetic location: Xp22.12.
Variant type: single nucleotide variant.
Coding change: c.517C>G on transcript NM_000284.4 (MANE Select); coding-DNA position 517, C replaced by G.
Protein change: p.Leu173Val; replaces leucine 173 with valine.
Molecular consequence: missense variant. On other transcripts: intron variant (1).
Genome position (GRCh38, 1-based): chrX:19,354,497, C>G. VCF-style: chrX-19354497-C-G. GRCh37 (hg19) VCF-style: chrX-19372615-C-G.
Other names: c.631C>G, p.Leu211Val (NM_001173454.2); c.538C>G, p.Leu180Val (NM_001173455.2); c.511-852C>G (NM_001173456.2); short protein forms L173V, L180V, L211V.
Identifiers: ClinVar variation 1801986 (VCV001801986.1), dbSNP rs921680836, ClinGen allele CA327026504.